The following is an entry in ClinVar:

ClinVar aggregate classification (germline): Uncertain significance (1 of 4 stars; one submission).

Conditions:
X-linked intellectual disability Cabezas type (MRXSC). Also called: CABEZAS SYNDROME; MENTAL RETARDATION, X-LINKED, SYNDROMIC 15; Intellectual developmental disorder, X-linked syndromic, Cabezas type. Identifiers: Orphanet 85289, Orphanet 85293, MedGen C1845861, MONDO:0010306, OMIM 300354.

Submission:

Juno Genomics, Hangzhou Juno Genomics, Inc
Classification: Uncertain significance for X-linked intellectual disability Cabezas type. Review status: criteria provided, single submitter. Criteria: ACMG Guidelines, 2015. Collection method: clinical testing. Allele origin: germline.
Comment: Absent from controls (or at extremely low frequency if recessive) in Genome Aggregation Database.

NM_001079872.2(CUL4B):c.2119T>C (p.Ser707Pro)

Gene: CUL4B (cullin 4B; minus strand). Cytogenetic location: Xq24.
Variant type: single nucleotide variant.
Coding change: c.2119T>C on transcript NM_001079872.2 (MANE Select); coding-DNA position 2119, T replaced by C.
Protein change: p.Ser707Pro; replaces serine 707 with proline.
Molecular consequence: missense variant.
Genome position (GRCh38, 1-based): chrX:120,535,871, A>G on the plus strand (T>C on the coding strand, the complement: CUL4B is on the minus strand). VCF-style: chrX-120535871-A-G. GRCh37 (hg19) VCF-style: chrX-119669726-A-G.
Other names: c.2134T>C, p.Ser712Pro (NM_001330624.2); c.1585T>C, p.Ser529Pro (NM_001369145.1); c.2173T>C, p.Ser725Pro (NM_003588.4); short protein forms S529P, S707P, S712P, S725P.
Identifiers: ClinVar variation 5019009 (VCV005019009.2).